The following is an entry in ClinVar:

ClinVar aggregate classification (germline): Conflicting classifications of pathogenicity. Review status: criteria provided, conflicting classifications (1 of 4 stars). 3 submissions from 3 submitters: Uncertain significance (1); Likely benign (2). Last evaluated 2025-11-16.

Conditions:
PCARE-related disorder. Also called: PCARE-related condition.
Retinal dystrophy. Also called: Inherited retinal dystrophy. Identifiers: Orphanet 71862, MedGen C0854723, MeSH D058499, MONDO:0019118, HP:0000556.

Allele frequency attached by ClinVar (database versions not stated): gnomAD exomes 0.00001 and 0.00004; ExAC 0.00005.
gnomAD v4.1: 22 of 1,614,144 alleles (0.0014%); highest among the groups gnomAD compares: East Asian, 0.047%; no homozygotes.

Submissions (3):

PreventionGenetics, part of Exact Sciences
Classification: Likely benign for PCARE-related condition. Last evaluated: 2025-11-16. Review status: criteria provided, single submitter. Criteria: ACMG Guidelines, 2015. Collection method: clinical testing. Allele origin: germline.
Comment: This variant is classified as likely benign based on ACMG/AMP sequence variant interpretation guidelines (Richards et al. 2015 PMID: 25741868, with internal and published modifications).

Labcorp Genetics (formerly Invitae), Labcorp
Classification: Likely benign. Last evaluated: 2024-07-12. Review status: criteria provided, single submitter. Criteria: Invitae Variant Classification Sherloc (09022015). Collection method: clinical testing. Allele origin: germline.

Dept Of Ophthalmology, Nagoya University
Classification: Uncertain significance for Retinal dystrophy. Last evaluated: 2023-10-01. Review status: criteria provided, single submitter. Criteria: Submitter's publication. Collection method: research. Allele origin: germline. Affected: yes.

NM_001029883.3(PCARE):c.1395G>A (p.Val465=)

Gene: PCARE (photoreceptor cilium actin regulator; minus strand). Cytogenetic location: 2p23.2.
Variant type: single nucleotide variant.
Coding change: c.1395G>A on transcript NM_001029883.3 (MANE Select); coding-DNA position 1395, G replaced by A.
Protein change: p.Val465=; no amino-acid change (valine 465 retained).
Molecular consequence: synonymous variant.
Genome position (GRCh38, 1-based): chr2:29,072,867, C>T on the plus strand (G>A on the coding strand, the complement: PCARE is on the minus strand). VCF-style: chr2-29072867-C-T. GRCh37 (hg19) VCF-style: chr2-29295733-C-T.
Other names: c.1395G>A (NM_001029883.2).
Identifiers: ClinVar variation 1003395 (VCV001003395.10), dbSNP rs757428273, ClinGen allele CA1592431.